The following is an entry in ClinVar:

NM_133372.3(FNIP1):c.2940-32A>T

Gene: FNIP1 (folliculin interacting protein 1; minus strand). Cytogenetic location: 5q31.1.
Variant type: single nucleotide variant.
Coding change: c.2940-32A>T on transcript NM_133372.3 (MANE Select); 32 bases into the intron before coding-DNA position 2940, A replaced by T.
Molecular consequence: intron variant.
Genome position (GRCh38, 1-based): chr5:131,670,663, T>A on the plus strand (A>T on the coding strand, the complement: FNIP1 is on the minus strand). VCF-style: chr5-131670663-T-A. GRCh37 (hg19) VCF-style: chr5-131006356-T-A.
Other names: c.2805-32A>T (NM_001346114.2); c.2856-32A>T (NM_001008738.3).
Identifiers: ClinVar variation 2687941 (VCV002687941.2), dbSNP rs26007, ClinGen allele CA3400435.

ClinVar aggregate classification (germline): Benign (1 of 4 stars; one submission).

Allele frequency attached by ClinVar (database versions not stated): 1000 Genomes Project 0.71266; 1000 Genomes Project 30x 0.72080; ExAC 0.75721; gnomAD 0.78052; TOPMed 0.78272; ESP Exome Variant Server 0.80434.
gnomAD v4.1: 1,196,965 of 1,521,222 alleles (79%); highest among the groups gnomAD compares: Middle Eastern, 82%; 474,109 homozygotes.

Submission:

Unidad de Genómica Garrahan, Hospital de Pediatría Garrahan
Classification: Benign. Last evaluated: 2024-01-24. Review status: criteria provided, single submitter. Criteria: ACMG Guidelines, 2015. Collection method: clinical testing. Allele origin: germline. Affected: no. Observed: 86 variant alleles.
Comment: This variant is classified as Benign based on local population frequency. This variant was detected in 91% of patients studied by a panel of primary immunodeficiencies. Number of patients: 86. Only high quality variants are reported.